The following is an entry in ClinVar:

ClinVar aggregate classification (germline): Uncertain significance (1 of 4 stars; one submission).

Conditions:
Granulomatous disease, chronic, autosomal recessive, cytochrome b-positive, type 3. Also called: GRANULOMATOUS DISEASE, CHRONIC, DUE TO NCF4 DEFICIENCY; Granulomatous disease, chronic, autosomal recessive, cytochrome b-positive, type III; GRANULOMATOUS DISEASE, CHRONIC, AUTOSOMAL RECESSIVE, 3; CGD, AUTOSOMAL RECESSIVE CYTOCHROME b-POSITIVE, TYPE III. Identifiers: Orphanet 379, MedGen C3151409, MONDO:0013507, OMIM 613960.

Allele frequency attached by ClinVar (database versions not stated): ExAC 0.00001.
gnomAD v4.1: 4 of 1,613,174 alleles (0.00025%); highest among the groups gnomAD compares: Non-Finnish European, 0.00034%; no homozygotes.

Submission:

Labcorp Genetics (formerly Invitae), Labcorp
Classification: Uncertain significance for Granulomatous disease, chronic, autosomal recessive, cytochrome b-positive, type 3. Last evaluated: 2020-06-18. Review status: criteria provided, single submitter. Criteria: Invitae Variant Classification Sherloc (09022015). Collection method: clinical testing. Allele origin: germline.
Comment: This sequence change replaces serine with phenylalanine at codon 222 of the NCF4 protein (p.Ser222Phe). The serine residue is highly conserved and there is a large physicochemical difference between serine and phenylalanine. This variant is present in population databases (rs754272966, ExAC 0.002%). This variant has not been reported in the literature in individuals with NCF4-related conditions. In summary, the available evidence is currently insufficient to determine the role of this variant in disease. Therefore, it has been classified as a Variant of Uncertain Significance. Algorithms developed to predict the effect of missense changes on protein structure and function are either unavailable or do not agree on the potential impact of this missense change (SIFT: "Deleterious"; PolyPhen-2: "Possibly Damaging"; Align-GVGD: "Class C15").

NM_000631.5(NCF4):c.665C>T (p.Ser222Phe)

Gene: NCF4 (neutrophil cytosolic factor 4; plus strand). Cytogenetic location: 22q12.3.
Variant type: single nucleotide variant.
Coding change: c.665C>T on transcript NM_000631.5 (MANE Select); coding-DNA position 665, C replaced by T.
Protein change: p.Ser222Phe; replaces serine 222 with phenylalanine.
Molecular consequence: missense variant.
Genome position (GRCh38, 1-based): chr22:36,875,690, C>T. VCF-style: chr22-36875690-C-T. GRCh37 (hg19) VCF-style: chr22-37271732-C-T.
Other names: c.665C>T, p.Ser222Phe (NM_013416.4); short protein forms S222F.
Identifiers: ClinVar variation 1025976 (VCV001025976.9), dbSNP rs754272966, ClinGen allele CA10213129.